The following is an entry in ClinVar:

NM_002397.5(MEF2C):c.115T>C (p.Cys39Arg)

Gene: MEF2C (myocyte enhancer factor 2C; minus strand). Cytogenetic location: 5q14.3.
Variant type: single nucleotide variant.
Coding change: c.115T>C on transcript NM_002397.5 (MANE Select); coding-DNA position 115, T replaced by C.
Protein change: p.Cys39Arg; replaces cysteine 39 with arginine.
Molecular consequence: missense variant.
Genome position (GRCh38, 1-based): chr5:88,804,741, A>G on the plus strand (T>C on the coding strand, the complement: MEF2C is on the minus strand). VCF-style: chr5-88804741-A-G. GRCh37 (hg19) VCF-style: chr5-88100558-A-G.
Other names: p.C39R:TGT>CGT; c.115T>C, p.Cys39Arg (NM_001131005.2, NM_001193347.1, NM_001193348.1 and 29 more transcripts); short protein forms C39R.
Identifiers: ClinVar variation 206130 (VCV000206130.2), dbSNP rs796052729, ClinGen allele CA315919.

ClinVar aggregate classification (germline): Uncertain significance (1 of 4 stars; one submission).

Submission:

GeneDx
Classification: Uncertain significance. Last evaluated: 2014-12-16. Review status: criteria provided, single submitter. Criteria: GeneDx Variant Classification (06012015). Collection method: clinical testing. Allele origin: germline. Affected: yes.
Comment: p.Cys39Arg (TGT>CGT): c.115 T>C in exon 3 of the MEF2C gene (NM_002397.3) A variant of unknown significance has been identified in the MEF2C gene. The C39R variant has not been published as a mutation, nor has it been reported as a benign polymorphism to our knowledge. It was not observed in approximately 6,500 individuals of European and African American ancestry in the NHLBI Exome Sequencing Project, indicating it is not a common benign variant in these populations. The C39R variant is a non-conservative amino acid substitution, which is likely to impact secondary protein structure as these residues differ in polarity, charge, size and/or other properties. Additionally, this substitution occurs at a position that is conserved across species, and a missense mutation in a nearby residue (L38Q) has been reported in association with a MEF2C-related disorder. In silico analysis predicts this variant is probably damaging to the protein structure/function. Based on the currently available information, it is unclear whether this variant is a pathogenic mutation or a rare benign variant. The variant is found in INFANT-EPI panel(s).